The following is an entry in ClinVar:

ClinVar aggregate classification (germline): Uncertain significance (1 of 4 stars; one submission).

Conditions:
Combined immunodeficiency due to LRBA deficiency. Also called: Common variable immunodeficiency 8, with autoimmunity. Identifiers: Orphanet 445018, MedGen C3553512, MONDO:0013863, OMIM 614700.

gnomAD v4.1: 9 of 1,614,098 alleles (0.00056%); highest among the groups gnomAD compares: South Asian, 0.0011%; no homozygotes.

Submission:

Labcorp Genetics (formerly Invitae), Labcorp
Classification: Uncertain significance for Combined immunodeficiency due to LRBA deficiency. Last evaluated: 2025-11-08. Review status: criteria provided, single submitter. Criteria: Invitae Variant Classification Sherloc (09022015). Collection method: clinical testing. Allele origin: germline.
Comment: This sequence change replaces arginine, which is basic and polar, with glutamine, which is neutral and polar, at codon 1601 of the LRBA protein (p.Arg1601Gln). This variant is not present in population databases (gnomAD no frequency). This variant has not been reported in the literature in individuals affected with LRBA-related conditions. Invitae Evidence Modeling of protein sequence and biophysical properties (such as structural, functional, and spatial information, amino acid conservation, physicochemical variation, residue mobility, and thermodynamic stability) indicates that this missense variant is not expected to disrupt LRBA protein function with a negative predictive value of 80%. In summary, the available evidence is currently insufficient to determine the role of this variant in disease. Therefore, it has been classified as a Variant of Uncertain Significance.

NM_001364905.1(LRBA):c.4802G>A (p.Arg1601Gln)

Gene: LRBA (LPS responsive beige-like anchor protein; minus strand). Cytogenetic location: 4q31.3.
Variant type: single nucleotide variant.
Coding change: c.4802G>A on transcript NM_001364905.1 (MANE Select); coding-DNA position 4802, G replaced by A.
Protein change: p.Arg1601Gln; replaces arginine 1601 with glutamine.
Molecular consequence: missense variant.
Genome position (GRCh38, 1-based): chr4:150,828,549, C>T on the plus strand (G>A on the coding strand, the complement: LRBA is on the minus strand). VCF-style: chr4-150828549-C-T. GRCh37 (hg19) VCF-style: chr4-151749701-C-T.
Other names: c.4802G>A, p.Arg1601Gln (NM_001199282.3, NM_001367550.1, NM_001440430.1 and 2 more transcripts); short protein forms R1601Q.
Identifiers: ClinVar variation 4763524 (VCV004763524.1).